The following is an entry in ClinVar:

ClinVar aggregate classification (germline): Uncertain significance. Review status: criteria provided, multiple submitters, no conflicts (2 of 4 stars). 2 submissions from 2 submitters: Uncertain significance (2). Last evaluated 2025-04-20.

Conditions:
Polycystic kidney disease, adult type (PKD1). Also called: POLYCYSTIC KIDNEY DISEASE, ADULT, TYPE I; Polycystic Kidney Disease 1, Autosomal Dominant; Polycystic kidney disease 1; Polycystic kidney disease 1, severe; Polycystic Kidney, Autosomal Dominant; POLYCYSTIC KIDNEY DISEASE 1 WITH OR WITHOUT POLYCYSTIC LIVER DISEASE. Identifiers: MedGen C3149841, MONDO:0008263, OMIM 173900.
PKD1-related disorder. Also called: PKD1-related condition.

Submissions (2):

PreventionGenetics, part of Exact Sciences
Classification: Uncertain significance for PKD1-related condition. Last evaluated: 2025-04-20. Review status: criteria provided, single submitter. Criteria: ACMG Guidelines, 2015. Collection method: clinical testing. Allele origin: germline.
Comment: The PKD1 c.2371C>T variant is predicted to result in the amino acid substitution p.Arg791Trp. This variant was reported in an individual with autosomal dominant polycystic kidney disease (ADPKD), but the clinical significance was uncertain (Supplementary Table S6C, Kim et al. 2019. PubMed ID: 31740684). This variant is reported in 0.056% of alleles in individuals of East Asian descent in gnomAD, which is probably too common to be a primary cause of an autosomal dominant disorder. The p.Arg791 residue is weakly conserved. The REVEL (rare exome variant ensemble learner) program predicts this variant is benign at a "strong" level (Ioannidis et al. 2016. PubMed ID: 27666373; Bergquist et al. 2024. PubMed ID: 39345488). Although we suspect this variant is benign, at this time, the clinical significance of this variant is uncertain due to the absence of conclusive functional and genetic evidence.

Fulgent Genetics
Classification: Uncertain significance for Polycystic kidney disease, adult type. Last evaluated: 2024-06-06. Review status: criteria provided, single submitter. Criteria: ACMG Guidelines, 2015. Collection method: clinical testing. Allele origin: germline.

NM_001009944.3(PKD1):c.2371C>T (p.Arg791Trp)

Gene: PKD1 (polycystin 1, transient receptor potential channel interacting; minus strand). Cytogenetic location: 16p13.3.
Variant type: single nucleotide variant.
Coding change: c.2371C>T on transcript NM_001009944.3 (MANE Select); coding-DNA position 2371, C replaced by T.
Protein change: p.Arg791Trp; replaces arginine 791 with tryptophan.
Molecular consequence: missense variant.
Genome position (GRCh38, 1-based): chr16:2,114,652, G>A on the plus strand (C>T on the coding strand, the complement: PKD1 is on the minus strand). VCF-style: chr16-2114652-G-A. GRCh37 (hg19) VCF-style: chr16-2164653-G-A.
Other names: c.2371C>T, p.Arg791Trp (NM_000296.4); short protein forms R791W.
Identifiers: ClinVar variation 3353061 (VCV003353061.3).